The following is an entry in ClinVar:

ClinVar aggregate classification (germline): Likely benign (1 of 4 stars; one submission).

Allele frequency attached by ClinVar (database versions not stated): gnomAD 0.01382; TOPMed 0.02375; 1000 Genomes Project 30x 0.05684; 1000 Genomes Project 0.06190.
gnomAD v4.1: 2,784 of 152,320 alleles (1.8%); highest among the groups gnomAD compares: East Asian, 23%; 229 homozygotes.

Submission:

GeneDx
Classification: Likely benign. Last evaluated: 2018-06-16. Review status: criteria provided, single submitter. Criteria: GeneDx Variant Classification (06012015). Collection method: clinical testing. Allele origin: germline. Affected: yes.
Comment: This variant is considered likely benign or benign based on one or more of the following criteria: it is a conservative change, it occurs at a poorly conserved position in the protein, it is predicted to be benign by multiple in silico algorithms, and/or has population frequency not consistent with disease.

NM_001244008.2(KIF1A):c.3641-226G>A

Gene: KIF1A (kinesin family member 1A; minus strand). Cytogenetic location: 2q37.3.
Variant type: single nucleotide variant.
Coding change: c.3641-226G>A on transcript NM_001244008.2 (MANE Select); 226 bases into the intron before coding-DNA position 3641, G replaced by A.
Molecular consequence: intron variant.
Genome position (GRCh38, 1-based): chr2:240,741,603, C>T on the plus strand (G>A on the coding strand, the complement: KIF1A is on the minus strand). VCF-style: chr2-240741603-C-T. GRCh37 (hg19) VCF-style: chr2-241681020-C-T.
Other names: c.3338-226G>A (NM_001379653.1, NM_001379650.1, NM_001379641.1 and 5 more transcripts); c.3614-226G>A (NM_001379645.1, NM_001379633.1, NM_001379642.1); c.3440-226G>A (NM_001379635.1, NM_001330290.2, NM_001379646.1 and 1 more transcripts); c.3335-226G>A (NM_001379640.1); c.3590-226G>A (NM_001379632.1); c.3413-226G>A (NM_001379637.1, NM_001379648.1); c.3365-226G>A (NM_001320705.2, NM_001379638.1, NM_001330289.2); c.3716-226G>A (NM_001379631.1).
Identifiers: ClinVar variation 677766 (VCV000677766.1), dbSNP rs78906145, ClinGen allele CA68153245.